The following is an entry in ClinVar:

ClinVar aggregate classification (germline): Uncertain significance. Review status: criteria provided, multiple submitters, no conflicts (2 of 4 stars). 2 submissions from 2 submitters: Uncertain significance (2). Last evaluated 2025-10-23.

Allele frequency attached by ClinVar (database versions not stated): gnomAD 0.00002; TOPMed 0.00004; gnomAD exomes below 0.00001.
gnomAD v4.1: 5 of 1,515,122 alleles (0.00033%); highest among the groups gnomAD compares: African/African-American, 0.0055%; no homozygotes.

Submissions (2):

Ambry Genetics
Classification: Uncertain significance. Last evaluated: 2025-10-23. Review status: criteria provided, single submitter. Criteria: Ambry Variant Classification Scheme 2023. Collection method: clinical testing. Allele origin: germline.

Labcorp Genetics (formerly Invitae), Labcorp
Classification: Uncertain significance. Last evaluated: 2025-06-29. Review status: criteria provided, single submitter. Criteria: Invitae Variant Classification Sherloc (09022015). Collection method: clinical testing. Allele origin: germline.
Comment: This sequence change replaces asparagine, which is neutral and polar, with serine, which is neutral and polar, at codon 28 of the POLR3F protein (p.Asn28Ser). This variant is not present in population databases (gnomAD no frequency). This variant has not been reported in the literature in individuals affected with POLR3F-related conditions. ClinVar contains an entry for this variant (Variation ID: 2556292). An algorithm developed to predict the effect of missense changes on protein structure and function outputs the following: PolyPhen-2: "Not Available". The serine amino acid residue is found in multiple mammalian species, which suggests that this missense change does not adversely affect protein function. In summary, the available evidence is currently insufficient to determine the role of this variant in disease. Therefore, it has been classified as a Variant of Uncertain Significance.

NM_006466.4(POLR3F):c.206A>G (p.Asn69Ser)

Gene: POLR3F (RNA polymerase III subunit F; plus strand). Cytogenetic location: 20p11.23.
Variant type: single nucleotide variant.
Coding change: c.206A>G on transcript NM_006466.4 (MANE Select); coding-DNA position 206, A replaced by G.
Protein change: p.Asn69Ser; replaces asparagine 69 with serine.
Molecular consequence: missense variant. On other transcripts: non-coding transcript variant (1).
Genome position (GRCh38, 1-based): chr20:18,472,867, A>G. VCF-style: chr20-18472867-A-G. GRCh37 (hg19) VCF-style: chr20-18453511-A-G.
Other names: c.83A>G, p.Asn28Ser (NM_001282526.2); c.206A>G, p.Asn69Ser (NM_001410821.1); short protein forms N69S, N28S.
Identifiers: ClinVar variation 2556292 (VCV002556292.6), dbSNP rs907922652, ClinGen allele CA312377322.